The following is an entry in ClinVar:

NM_199420.4(POLQ):c.3656C>T (p.Pro1219Leu)

Gene: POLQ (DNA polymerase theta; minus strand). Cytogenetic location: 3q13.33.
Variant type: single nucleotide variant.
Coding change: c.3656C>T on transcript NM_199420.4 (MANE Select); coding-DNA position 3656, C replaced by T.
Protein change: p.Pro1219Leu; replaces proline 1219 with leucine.
Molecular consequence: missense variant.
Genome position (GRCh38, 1-based): chr3:121,489,275, G>A on the plus strand (C>T on the coding strand, the complement: POLQ is on the minus strand). VCF-style: chr3-121489275-G-A. GRCh37 (hg19) VCF-style: chr3-121208122-G-A.
Other names: short protein forms P1219L.
Identifiers: ClinVar variation 1733627 (VCV001733627.2), dbSNP rs1219736469, ClinGen allele CA354098273.
Genomic context (GRCh38, chr3:121,489,275, plus strand): 5'-CTTTCACAATTGATAGTAACATTTGAGTCTCTATTTATGTAACTACTGACTGCTTCACAG[G>A]GCATTTGTCTCTCTATTATATTTTTCTGTTTGGTAATAGTGCTTGTCTGTTCATGAGATT-3'
Protein context (NP_955452.3, residues 1209-1229): KQKNIIERQM[Pro1219Leu]CEAVSSYINR

ClinVar aggregate classification (germline): Uncertain significance (1 of 4 stars; one submission).

Submission:

Ambry Genetics
Classification: Uncertain significance. Last evaluated: 2022-01-30. Review status: criteria provided, single submitter. Criteria: Ambry Variant Classification Scheme 2023. Collection method: clinical testing. Allele origin: germline.
Comment: The p.P1219L variant (also known as c.3656C>T), located in coding exon 16 of the POLQ gene, results from a C to T substitution at nucleotide position 3656. The proline at codon 1219 is replaced by leucine, an amino acid with similar properties. This amino acid position is conserved. In addition, this alteration is predicted to be tolerated by in silico analysis. Since supporting evidence is limited at this time, the clinical significance of this alteration remains unclear.